The following is an entry in ClinVar:

NM_001378778.1(MPDZ):c.545T>A (p.Leu182Ter)

Gene: MPDZ (multiple PDZ domain crumbs cell polarity complex component; minus strand). Cytogenetic location: 9p23.
Variant type: single nucleotide variant.
Coding change: c.545T>A on transcript NM_001378778.1 (MANE Select); coding-DNA position 545, T replaced by A.
Protein change: p.Leu182Ter; replaces leucine 182 with a stop codon.
Molecular consequence: nonsense.
Genome position (GRCh38, 1-based): chr9:13,222,435, A>T on the plus strand (T>A on the coding strand, the complement: MPDZ is on the minus strand). VCF-style: chr9-13222435-A-T. GRCh37 (hg19) VCF-style: chr9-13222434-A-T.
Other names: c.545T>A, p.Leu182Ter (NM_001261406.2, NM_001261407.2, NM_001330637.2 and 14 more transcripts); short protein forms L182*.
Identifiers: ClinVar variation 4713811 (VCV004713811.1).

ClinVar aggregate classification (germline): Pathogenic (1 of 4 stars; one submission).

Submission:

Labcorp Genetics (formerly Invitae), Labcorp
Classification: Pathogenic. Last evaluated: 2025-03-12. Review status: criteria provided, single submitter. Criteria: Invitae Variant Classification Sherloc (09022015). Collection method: clinical testing. Allele origin: germline.
Comment: This sequence change creates a premature translational stop signal (p.Leu182*) in the MPDZ gene. It is expected to result in an absent or disrupted protein product. Loss-of-function variants in MPDZ are known to be pathogenic (PMID: 23240096, 28556411). This variant is not present in population databases (gnomAD no frequency). This variant has not been reported in the literature in individuals affected with MPDZ-related conditions. Algorithms developed to predict the effect of sequence changes on RNA splicing suggest that this variant may disrupt the consensus splice site. For these reasons, this variant has been classified as Pathogenic.

Literature cited by the submitters: PubMed 23240096; PubMed 28556411.